The following is an entry in ClinVar:

ClinVar aggregate classification (germline): Conflicting classifications of pathogenicity. Review status: criteria provided, conflicting classifications (1 of 4 stars). 2 submissions from 1 submitter: Uncertain significance (1); Benign (1). Last evaluated 2018-01-13.

Conditions:
Pseudohypoaldosteronism, type IB1, autosomal recessive. Also called: Pseudohypoaldosteronism, Type I, Autosomal Recessive; PHA I, AUTOSOMAL RECESSIVE; Pseudohypoaldosteronism, Type I, Recessive; Autosomal recessive pseudohypoaldosteronism type 1. Identifiers: Orphanet 171876, Orphanet 756, MedGen C5774176, MONDO:0009917, OMIM 264350.
Bronchiectasis with or without elevated sweat chloride 2 (BESC2). Identifiers: Orphanet 60033, MedGen C2751666, MONDO:0013087, OMIM 613021.

Allele frequency attached by ClinVar (database versions not stated): 1000 Genomes Project 30x 0.00062; 1000 Genomes Project 0.00080; gnomAD 0.00121; TOPMed 0.00123.
gnomAD v4.1: 1,341 of 894,578 alleles (0.15%); highest among the groups gnomAD compares: Non-Finnish European, 0.21%; 7 homozygotes.

Submissions (2):

Illumina Laboratory Services, Illumina
Classification: Uncertain significance for Pseudohypoaldosteronism, type IB1, autosomal recessive. Last evaluated: 2018-01-13. Review status: criteria provided, single submitter. Criteria: ICSL Variant Classification Criteria 13 December 2019. Collection method: clinical testing. Allele origin: germline.

Illumina Laboratory Services, Illumina
Classification: Benign for Bronchiectasis with or without elevated sweat chloride 2. Last evaluated: 2018-01-13. Review status: criteria provided, single submitter. Criteria: ICSL Variant Classification Criteria 13 December 2019. Collection method: clinical testing. Allele origin: germline.
Comment: This variant was observed in the ICSL laboratory as part of a predisposition screen in an ostensibly healthy population. It had not been previously curated by ICSL or reported in the Human Gene Mutation Database (HGMD: prior to June 1st, 2018), and was therefore a candidate for classification through an automated scoring system. Utilizing variant allele frequency, disease prevalence and penetrance estimates, and inheritance mode, an automated score was calculated to assess if this variant is too frequent to cause the disease. Based on the score and internal cut-off values, a variant classified as benign is not then subjected to further curation. The score for this variant resulted in a classification of benign for this disease.

NM_001038.6(SCNN1A):c.*113C>T

Gene: SCNN1A (sodium channel epithelial 1 subunit alpha; minus strand). Cytogenetic location: 12p13.31.
Variant type: single nucleotide variant.
Coding change: c.*113C>T on transcript NM_001038.6 (MANE Select); 113 bases downstream of the stop codon, C replaced by T.
Molecular consequence: 3 prime UTR variant.
Genome position (GRCh38, 1-based): chr12:6,347,760, G>A on the plus strand (C>T on the coding strand, the complement: SCNN1A is on the minus strand). VCF-style: chr12-6347760-G-A. GRCh37 (hg19) VCF-style: chr12-6456926-G-A.
Other names: c.*113C>T (NM_001159575.2, NM_001159576.2).
Identifiers: ClinVar variation 310128 (VCV000310128.5), dbSNP rs62620999, ClinGen allele CA10638279.